The following is an entry in ClinVar:

ClinVar aggregate classification (germline): Uncertain significance (1 of 4 stars; one submission).

Conditions:
DICER1-related tumor predisposition. Also called: DICER1-related pleuropulmonary blastoma cancer predisposition syndrome; DICER1 syndrome. Identifiers: Orphanet 284343, MedGen C3839822, MONDO:0100216.

Submission:

Labcorp Genetics (formerly Invitae), Labcorp
Classification: Uncertain significance for DICER1-related tumor predisposition. Last evaluated: 2022-02-17. Review status: criteria provided, single submitter. Criteria: Invitae Variant Classification Sherloc (09022015). Collection method: clinical testing. Allele origin: germline.
Comment: In summary, the available evidence is currently insufficient to determine the role of this variant in disease. Therefore, it has been classified as a Variant of Uncertain Significance. Algorithms developed to predict the effect of missense changes on protein structure and function (SIFT, PolyPhen-2, Align-GVGD) all suggest that this variant is likely to be disruptive. ClinVar contains an entry for this variant (Variation ID: 543567). This variant has not been reported in the literature in individuals affected with DICER1-related conditions. This variant is not present in population databases (gnomAD no frequency). This sequence change replaces arginine, which is basic and polar, with glycine, which is neutral and non-polar, at codon 640 of the DICER1 protein (p.Arg640Gly).

NM_177438.3(DICER1):c.1918A>G (p.Arg640Gly)

Gene: DICER1 (dicer 1, ribonuclease III; minus strand). Cytogenetic location: 14q32.13.
Variant type: single nucleotide variant.
Coding change: c.1918A>G on transcript NM_177438.3 (MANE Select); coding-DNA position 1918, A replaced by G.
Protein change: p.Arg640Gly; replaces arginine 640 with glycine.
Molecular consequence: missense variant.
Genome position (GRCh38, 1-based): chr14:95,113,214, T>C on the plus strand (A>G on the coding strand, the complement: DICER1 is on the minus strand). VCF-style: chr14-95113214-T-C. GRCh37 (hg19) VCF-style: chr14-95579551-T-C.
Other names: c.1918A>G, p.Arg640Gly (NM_001195573.1, NM_001271282.3, NM_001291628.2 and 1 more transcripts); short protein forms R640G.
Identifiers: ClinVar variation 543567 (VCV000543567.12), dbSNP rs1555372107, ClinGen allele CA390883553.